The following is an entry in ClinVar:

ClinVar aggregate classification (germline): Uncertain significance (1 of 4 stars; one submission).

Allele frequency attached by ClinVar (database versions not stated): ExAC 0.00002; gnomAD 0.00003; gnomAD exomes 0.00004 and 0.00009; TOPMed 0.00004.
gnomAD v4.1: 134 of 1,613,932 alleles (0.0083%); highest among the groups gnomAD compares: Non-Finnish European, 0.01%; no homozygotes.

Submission:

Labcorp Genetics (formerly Invitae), Labcorp
Classification: Uncertain significance. Last evaluated: 2025-11-28. Review status: criteria provided, single submitter. Criteria: Invitae Variant Classification Sherloc (09022015). Collection method: clinical testing. Allele origin: germline.
Comment: This sequence change replaces glycine, which is neutral and non-polar, with arginine, which is basic and polar, at codon 87 of the CA4 protein (p.Gly87Arg). This variant is present in population databases (rs776961816, gnomAD 0.01%). This variant has not been reported in the literature in individuals affected with CA4-related conditions. ClinVar contains an entry for this variant (Variation ID: 1492212). Invitae Evidence Modeling of protein sequence and biophysical properties (such as structural, functional, and spatial information, amino acid conservation, physicochemical variation, residue mobility, and thermodynamic stability) indicates that this missense variant is expected to disrupt CA4 protein function with a positive predictive value of 80%. In summary, the available evidence is currently insufficient to determine the role of this variant in disease. Therefore, it has been classified as a Variant of Uncertain Significance.

NM_000717.5(CA4):c.259G>A (p.Gly87Arg)

Gene: CA4 (carbonic anhydrase 4; plus strand). Cytogenetic location: 17q23.1.
Variant type: single nucleotide variant.
Coding change: c.259G>A on transcript NM_000717.5 (MANE Select); coding-DNA position 259, G replaced by A.
Protein change: p.Gly87Arg; replaces glycine 87 with arginine.
Molecular consequence: missense variant. On other transcripts: non-coding transcript variant (1).
Genome position (GRCh38, 1-based): chr17:60,156,706, G>A. VCF-style: chr17-60156706-G-A. GRCh37 (hg19) VCF-style: chr17-58234067-G-A.
Other names: short protein forms G87R.
Identifiers: ClinVar variation 1492212 (VCV001492212.8), dbSNP rs776961816, ClinGen allele CA8685276.